The following is an entry in ClinVar:

ClinVar aggregate classification (germline): Uncertain significance. Review status: criteria provided, multiple submitters, no conflicts (2 of 4 stars). 4 submissions from 4 submitters: Uncertain significance (4). Last evaluated 2026-03-18.

Conditions:
Spondylodysplastic Ehlers-Danlos syndrome. Identifiers: Orphanet 536471, Orphanet 75496, MedGen C5680154, MONDO:0007526.
Inborn genetic diseases. Identifiers: MedGen C0950123, MeSH D030342.

gnomAD v4.1: 31 of 1,613,824 alleles (0.0019%); highest among the groups gnomAD compares: Non-Finnish European, 0.0026%; no homozygotes.

Submissions (4):

Women's Health and Genetics/Laboratory Corporation of America, LabCorp
Classification: Uncertain significance. Last evaluated: 2026-03-18. Review status: criteria provided, single submitter. Criteria: LabCorp Variant Classification Summary - May 2015. Collection method: clinical testing. Allele origin: germline.
Comment: Variant summary: B4GALT7 c.283C>G (p.Leu95Val) results in a conservative amino acid change in the encoded protein sequence. Algorithms developed to predict the effect of missense changes on protein structure and function are either unavailable or do not agree on the potential impact of this missense change. The variant was absent in 247220 control chromosomes. The available data on variant occurrences in the general population are insufficient to allow any conclusion about variant significance. To our knowledge, no occurrence of c.283C>G in individuals affected with B4GALT7-related conditions and no experimental evidence demonstrating its impact on protein function have been reported. ClinVar contains an entry for this variant (Variation ID: 684548). Based on the evidence outlined above, the variant was classified as uncertain significance.

Ambry Genetics
Classification: Uncertain significance for Inborn genetic diseases. Last evaluated: 2024-11-21. Review status: criteria provided, single submitter. Criteria: Ambry Variant Classification Scheme 2023. Collection method: clinical testing. Allele origin: germline.

Labcorp Genetics (formerly Invitae), Labcorp
Classification: Uncertain significance for Spondylodysplastic Ehlers-Danlos syndrome. Last evaluated: 2022-07-21. Review status: criteria provided, single submitter. Criteria: Invitae Variant Classification Sherloc (09022015). Collection method: clinical testing. Allele origin: germline.
Comment: This sequence change replaces leucine, which is neutral and non-polar, with valine, which is neutral and non-polar, at codon 95 of the B4GALT7 protein (p.Leu95Val). This variant is present in population databases (no rsID available, gnomAD 0.01%). This variant has not been reported in the literature in individuals affected with B4GALT7-related conditions. ClinVar contains an entry for this variant (Variation ID: 684548). Algorithms developed to predict the effect of missense changes on protein structure and function are either unavailable or do not agree on the potential impact of this missense change (SIFT: "Deleterious"; PolyPhen-2: "Benign"; Align-GVGD: "Class C0"). In summary, the available evidence is currently insufficient to determine the role of this variant in disease. Therefore, it has been classified as a Variant of Uncertain Significance.

GeneDx
Classification: Uncertain significance. Last evaluated: 2020-04-02. Review status: criteria provided, single submitter. Criteria: GeneDx Variant Classification Process June 2021. Collection method: clinical testing. Allele origin: germline. Affected: yes.
Comment: Not observed at a significant frequency in large population cohorts (Lek et al., 2016); In silico analysis supports that this missense variant does not alter protein structure/function; Has not been previously published as pathogenic or benign to our knowledge

NM_007255.3(B4GALT7):c.283C>G (p.Leu95Val)

Gene: B4GALT7 (beta-1,4-galactosyltransferase 7; plus strand). Cytogenetic location: 5q35.3.
Variant type: single nucleotide variant.
Coding change: c.283C>G on transcript NM_007255.3 (MANE Select); coding-DNA position 283, C replaced by G.
Protein change: p.Leu95Val; replaces leucine 95 with valine.
Molecular consequence: missense variant.
Genome position (GRCh38, 1-based): chr5:177,604,411, C>G. VCF-style: chr5-177604411-C-G. GRCh37 (hg19) VCF-style: chr5-177031412-C-G.
Other names: short protein forms L95V.
Identifiers: ClinVar variation 684548 (VCV000684548.10), dbSNP rs926913315, ClinGen allele CA132892199.